The following is an entry in ClinVar:

ClinVar aggregate classification (germline): Uncertain significance. Review status: criteria provided, multiple submitters, no conflicts (2 of 4 stars). 2 submissions from 2 submitters: Uncertain significance (2). Last evaluated 2025-08-20.

Allele frequency attached by ClinVar (database versions not stated): TOPMed below 0.00001; gnomAD 0.00001.
gnomAD v4.1: 11 of 1,613,846 alleles (0.00068%); highest among the groups gnomAD compares: Non-Finnish European, 0.00059%; no homozygotes.

Submissions (2):

Ambry Genetics
Classification: Uncertain significance. Last evaluated: 2025-08-20. Review status: criteria provided, single submitter. Criteria: Ambry Variant Classification Scheme 2023. Collection method: clinical testing. Allele origin: germline.

Labcorp Genetics (formerly Invitae), Labcorp
Classification: Uncertain significance. Last evaluated: 2023-10-26. Review status: criteria provided, single submitter. Criteria: Invitae Variant Classification Sherloc (09022015). Collection method: clinical testing. Allele origin: germline.
Comment: This sequence change replaces histidine, which is basic and polar, with glutamine, which is neutral and polar, at codon 206 of the SLC13A3 protein (p.His206Gln). This variant is present in population databases (rs772562442, gnomAD 0.003%). This variant has not been reported in the literature in individuals affected with SLC13A3-related conditions. An algorithm developed to predict the effect of missense changes on protein structure and function (PolyPhen-2) suggests that this variant¬¨‚Ä†is likely to be tolerated. In summary, the available evidence is currently insufficient to determine the role of this variant in disease. Therefore, it has been classified as a Variant of Uncertain Significance.

NM_022829.6(SLC13A3):c.618C>G (p.His206Gln)

Gene: SLC13A3 (solute carrier family 13 member 3; minus strand). Cytogenetic location: 20q13.12.
Variant type: single nucleotide variant.
Coding change: c.618C>G on transcript NM_022829.6 (MANE Select); coding-DNA position 618, C replaced by G.
Protein change: p.His206Gln; replaces histidine 206 with glutamine.
Molecular consequence: missense variant.
Genome position (GRCh38, 1-based): chr20:46,596,333, G>C on the plus strand (C>G on the coding strand, the complement: SLC13A3 is on the minus strand). VCF-style: chr20-46596333-G-C. GRCh37 (hg19) VCF-style: chr20-45224972-G-C.
Other names: c.477C>G, p.His159Gln (NM_001193340.2, NM_001011554.3); c.324C>G, p.His108Gln (NM_001193342.2); c.618C>G (NM_022829.5); c.551C>G, p.Thr184Ser (NM_001193339.2); short protein forms H159Q, T184S, H108Q, H206Q.
Identifiers: ClinVar variation 3010531 (VCV003010531.3), dbSNP rs772562442, ClinGen allele CA9891559.